The following is an entry in ClinVar:

NM_007317.3(KIF22):c.1270C>T (p.Gln424Ter)

Gene: KIF22 (kinesin family member 22; plus strand). Cytogenetic location: 16p11.2.
Variant type: single nucleotide variant.
Coding change: c.1270C>T on transcript NM_007317.3 (MANE Select); coding-DNA position 1270, C replaced by T.
Protein change: p.Gln424Ter; replaces glutamine 424 with a stop codon.
Molecular consequence: nonsense.
Genome position (GRCh38, 1-based): chr16:29,800,038, C>T. VCF-style: chr16-29800038-C-T. GRCh37 (hg19) VCF-style: chr16-29811359-C-T.
Other names: c.1066C>T, p.Gln356Ter (NM_001256269.2, NM_001256270.1); short protein forms Q424*, Q356*.
Identifiers: ClinVar variation 3721802 (VCV003721802.2).
Genomic context (GRCh38, chr16:29,800,038, plus strand): 5'-GGCCCTGAGGAAGAGGAGATCGGGAGCCCTGAGCCCATGGCAGCTCCAGCCTCTGCCTCC[C>T]AGAAACTCAGGTGAGCAGTGGGGCCTTGGGTGTATCCCCTTCCTGATGTATGGCTTAGCA-3'

ClinVar aggregate classification (germline): Uncertain significance (1 of 4 stars; one submission).

Submission:

Labcorp Genetics (formerly Invitae), Labcorp
Classification: Uncertain significance. Last evaluated: 2024-10-05. Review status: criteria provided, single submitter. Criteria: Invitae Variant Classification Sherloc (09022015). Collection method: clinical testing. Allele origin: germline.
Comment: This sequence change creates a premature translational stop signal (p.Gln424*) in the KIF22 gene. It is expected to result in an absent or disrupted protein product. However, the current clinical and genetic evidence is not sufficient to establish whether loss-of-function variants in KIF22 cause disease. This variant is not present in population databases (gnomAD no frequency). This variant has not been reported in the literature in individuals affected with KIF22-related conditions. In summary, the available evidence is currently insufficient to determine the role of this variant in disease. Therefore, it has been classified as a Variant of Uncertain Significance.